The following is an entry in ClinVar:

NM_000059.4(BRCA2):c.9758G>A (p.Cys3253Tyr)

Gene: BRCA2 (BRCA2 DNA repair associated; plus strand). Cytogenetic location: 13q13.1.
Variant type: single nucleotide variant.
Coding change: c.9758G>A on transcript NM_000059.4 (MANE Select); coding-DNA position 9758, G replaced by A.
Protein change: p.Cys3253Tyr; replaces cysteine 3253 with tyrosine.
Molecular consequence: missense variant.
Genome position (GRCh38, 1-based): chr13:32,398,271, G>A. VCF-style: chr13-32398271-G-A. GRCh37 (hg19) VCF-style: chr13-32972408-G-A.
Other names: short protein forms C3253Y.
Identifiers: ClinVar variation 186106 (VCV000186106.15), dbSNP rs786202698, ClinGen allele CA026292.

ClinVar aggregate classification (germline): Uncertain significance. Review status: criteria provided, multiple submitters, no conflicts (2 of 4 stars). 3 submissions from 3 submitters: Uncertain significance (3). Last evaluated 2025-11-24.

Conditions:
Hereditary cancer-predisposing syndrome. Also called: Hereditary neoplastic syndrome; Neoplastic Syndromes, Hereditary; Tumor predisposition; Hereditary Cancer Syndrome. Identifiers: Orphanet 140162, MedGen C0027672, MeSH D009386, MONDO:0015356.
Hereditary breast ovarian cancer syndrome. Also called: Hereditary breast and ovarian cancer syndrome (HBOC); Breast and ovarian cancer; Hereditary breast and/or ovarian cancer syndrome; BRCA1- and BRCA2-Associated Hereditary Breast and Ovarian Cancer; Hereditary breast and ovarian cancer syndrome; Hereditary breast and ovarian cancer. Identifiers: Orphanet 145, MedGen C0677776, MeSH D061325, MONDO:0003582. Disease mechanism: loss of function.

Allele frequency attached by ClinVar (database versions not stated): gnomAD exomes below 0.00001 and 0.00001.

Submissions (3):

Labcorp Genetics (formerly Invitae), Labcorp
Classification: Uncertain significance for Hereditary breast ovarian cancer syndrome. Last evaluated: 2025-11-24. Review status: criteria provided, single submitter. Criteria: Invitae Variant Classification Sherloc (09022015). Collection method: clinical testing. Allele origin: germline.
Comment: This sequence change replaces cysteine, which is neutral and slightly polar, with tyrosine, which is neutral and polar, at codon 3253 of the BRCA2 protein (p.Cys3253Tyr). This variant is present in population databases (rs786202698, gnomAD 0.003%). This missense change has been observed in individual(s) with a family history of breast cancer (PMID: 22752604, 35534704). This variant is also known as 9986G>A. ClinVar contains an entry for this variant (Variation ID: 186106). Invitae Evidence Modeling of protein sequence and biophysical properties (such as structural, functional, and spatial information, amino acid conservation, physicochemical variation, residue mobility, and thermodynamic stability) indicates that this missense variant is not expected to disrupt BRCA2 protein function with a negative predictive value of 95%. In summary, the available evidence is currently insufficient to determine the role of this variant in disease. Therefore, it has been classified as a Variant of Uncertain Significance.

Ambry Genetics
Classification: Uncertain significance for Hereditary cancer-predisposing syndrome. Last evaluated: 2024-09-29. Review status: criteria provided, single submitter. Criteria: Ambry Variant Classification Scheme 2023. Collection method: clinical testing. Allele origin: germline.
Comment: The p.C3253Y variant (also known as c.9758G>A), located in coding exon 26 of the BRCA2 gene, results from a G to A substitution at nucleotide position 9758. The cysteine at codon 3253 is replaced by tyrosine, an amino acid with highly dissimilar properties. This amino acid position is not well conserved in available vertebrate species. In addition, this alteration is predicted to be tolerated by in silico analysis. Based on the available evidence, the clinical significance of this variant remains unclear.

Color Diagnostics, LLC DBA Color Health
Classification: Uncertain significance for Hereditary cancer-predisposing syndrome. Last evaluated: 2021-01-06. Review status: criteria provided, single submitter. Criteria: ACMG Guidelines, 2015. Collection method: clinical testing. Allele origin: germline.
Comment: This missense variant replaces cysteine with tyrosine at codon 3253 of the BRCA2 protein. Computational prediction is inconclusive regarding the impact of this variant on protein structure and function (internally defined REVEL score threshold 0.5 < inconclusive < 0.7, PMID: 27666373). To our knowledge, functional studies have not been reported for this variant. This variant has been reported in individuals affected with breast cancer (PMID: 22752604). This variant has been identified in 2/251390 chromosomes in the general population by the Genome Aggregation Database (gnomAD). The available evidence is insufficient to determine the role of this variant in disease conclusively. Therefore, this variant is classified as a Variant of Uncertain Significance.

Literature cited by the submitters: PubMed 22752604 (cited by Labcorp Genetics (formerly Invitae), Labcorp and Ambry Genetics); PubMed 35534704 (cited by Labcorp Genetics (formerly Invitae), Labcorp).